The following is an entry in ClinVar:

NM_001009944.3(PKD1):c.9047A>G (p.Gln3016Arg)

Gene: PKD1 (polycystin 1, transient receptor potential channel interacting; minus strand). Cytogenetic location: 16p13.3.
Variant type: single nucleotide variant.
Coding change: c.9047A>G on transcript NM_001009944.3 (MANE Select); coding-DNA position 9047, A replaced by G.
Protein change: p.Gln3016Arg; replaces glutamine 3016 with arginine.
Molecular consequence: missense variant.
Genome position (GRCh38, 1-based): chr16:2,102,535, T>C on the plus strand (A>G on the coding strand, the complement: PKD1 is on the minus strand). VCF-style: chr16-2102535-T-C. GRCh37 (hg19) VCF-style: chr16-2152536-T-C.
Other names: c.9047A>G, p.Gln3016Arg (NM_000296.4); short protein forms Q3016R.
Identifiers: ClinVar variation 1212131 (VCV001212131.5), dbSNP rs2151750082, ClinGen allele CA394360748.

ClinVar aggregate classification (germline): Likely pathogenic. Review status: criteria provided, multiple submitters, no conflicts (2 of 4 stars). 2 submissions from 2 submitters: Likely pathogenic (2). Last evaluated 2023-06-09.

Conditions:
Polycystic kidney disease, adult type (PKD1). Also called: POLYCYSTIC KIDNEY DISEASE 1 WITH OR WITHOUT POLYCYSTIC LIVER DISEASE; Polycystic Kidney Disease 1, Autosomal Dominant; Polycystic kidney disease 1; Polycystic kidney disease 1, severe; Polycystic Kidney, Autosomal Dominant; POLYCYSTIC KIDNEY DISEASE, ADULT, TYPE I. Identifiers: MedGen C3149841, MONDO:0008263, OMIM 173900.

Submissions (2):

GeneDx
Classification: Likely pathogenic. Last evaluated: 2023-06-09. Review status: criteria provided, single submitter. Criteria: GeneDx Variant Classification Process June 2021. Collection method: clinical testing. Allele origin: germline. Affected: yes.
Comment: Published functional studies demonstrate a damaging effect; specifically, in vitro experiments demonstrated Q3016R inhibits cleavage at the G protein coupled receptor proteolytic site negatively affecting formation of tubules (Qian et al., 2002); Not observed at significant frequency in large population cohorts (gnomAD); In silico analysis supports that this missense variant has a deleterious effect on protein structure/function; This variant is associated with the following publications: (PMID: 27499327, 23001567, 11216660, 12482949, 10854095, 29472562, 11115377, 9199561, 17574468, 9734362)

Fulgent Genetics
Classification: Likely pathogenic for Polycystic kidney disease, adult type. Last evaluated: 2022-05-02. Review status: criteria provided, single submitter. Criteria: ACMG Guidelines, 2015. Collection method: clinical testing. Allele origin: unknown.